The following is an entry in ClinVar:

ClinVar aggregate classification (germline): Uncertain significance. Review status: criteria provided, multiple submitters, no conflicts (2 of 4 stars). 2 submissions from 2 submitters: Uncertain significance (2). Last evaluated 2024-05-15.

Conditions:
Hereditary cancer-predisposing syndrome. Also called: Tumor predisposition; Hereditary neoplastic syndrome; Neoplastic Syndromes, Hereditary; Hereditary Cancer Syndrome. Identifiers: Orphanet 140162, MedGen C0027672, MeSH D009386, MONDO:0015356.
DICER1-related tumor predisposition. Also called: DICER1-related pleuropulmonary blastoma cancer predisposition syndrome; DICER1 syndrome. Identifiers: Orphanet 284343, MedGen C3839822, MONDO:0100216.

Submissions (2):

Labcorp Genetics (formerly Invitae), Labcorp
Classification: Uncertain significance for DICER1-related tumor predisposition. Last evaluated: 2024-05-15. Review status: criteria provided, single submitter. Criteria: Invitae Variant Classification Sherloc (09022015). Collection method: clinical testing. Allele origin: germline.
Comment: This sequence change replaces asparagine, which is neutral and polar, with lysine, which is basic and polar, at codon 130 of the DICER1 protein (p.Asn130Lys). This variant is not present in population databases (gnomAD no frequency). This variant has not been reported in the literature in individuals affected with DICER1-related conditions. ClinVar contains an entry for this variant (Variation ID: 2032810). Advanced modeling of protein sequence and biophysical properties (such as structural, functional, and spatial information, amino acid conservation, physicochemical variation, residue mobility, and thermodynamic stability) performed at Invitae indicates that this missense variant is not expected to disrupt DICER1 protein function with a negative predictive value of 80%. In summary, the available evidence is currently insufficient to determine the role of this variant in disease. Therefore, it has been classified as a Variant of Uncertain Significance.

Ambry Genetics
Classification: Uncertain significance for Hereditary cancer-predisposing syndrome. Last evaluated: 2023-07-21. Review status: criteria provided, single submitter. Criteria: Ambry Variant Classification Scheme 2023. Collection method: clinical testing. Allele origin: germline.
Comment: The p.N130K variant (also known as c.390T>A), located in coding exon 3 of the DICER1 gene, results from a T to A substitution at nucleotide position 390. The asparagine at codon 130 is replaced by lysine, an amino acid with similar properties. This amino acid position is conserved. In addition, this alteration is predicted to be tolerated by in silico analysis. Since supporting evidence is limited at this time, the clinical significance of this alteration remains unclear.

NM_177438.3(DICER1):c.390T>A (p.Asn130Lys)

Gene: DICER1 (dicer 1, ribonuclease III; minus strand). Cytogenetic location: 14q32.13.
Variant type: single nucleotide variant.
Coding change: c.390T>A on transcript NM_177438.3 (MANE Select); coding-DNA position 390, T replaced by A.
Protein change: p.Asn130Lys; replaces asparagine 130 with lysine.
Molecular consequence: missense variant. On other transcripts: 5 prime UTR variant (2), non-coding transcript variant (5), intron variant (6).
Genome position (GRCh38, 1-based): chr14:95,131,557, A>T on the plus strand (T>A on the coding strand, the complement: DICER1 is on the minus strand). VCF-style: chr14-95131557-A-T. GRCh37 (hg19) VCF-style: chr14-95597894-A-T.
Other names: c.390T>A, p.Asn130Lys (NM_001195573.1, NM_001271282.3, NM_001291628.2 and 15 more transcripts); c.108T>A, p.Asn36Lys (NM_001395686.1); c.-69T>A (NM_001395691.1); c.-1179T>A (NM_001395697.1); c.33+958T>A (NM_001395690.1, NM_001395687.1, NM_001395689.1 and 3 more transcripts); short protein forms N36K, N130K.
Identifiers: ClinVar variation 2032810 (VCV002032810.6), dbSNP rs747882352, ClinGen allele CA390889007.
Genomic context (GRCh38, chr14:95,131,557, plus strand): 5'-TACAAGTCTTACCTGGTGCTTAGTAAACTCTTGGTTCCATCTCTCTTTTGTCCAAGATGC[A>T]TTTACTTCTAGGTTTGAGTATTCCCCAACCTTGAGATCTGAATGAGTTCTGACAGCTGAC-3'
Protein context (NP_803187.1, residues 120-140): KVGEYSNLEV[Asn130Lys]ASWTKERWNQ